The following is an entry in ClinVar:

NM_144687.4(NLRP12):c.3106G>A (p.Gly1036Arg)

Gene: NLRP12 (NLR family pyrin domain containing 12; minus strand). Cytogenetic location: 19q13.42.
Variant type: single nucleotide variant.
Coding change: c.3106G>A on transcript NM_144687.4 (MANE Select); coding-DNA position 3106, G replaced by A.
Protein change: p.Gly1036Arg; replaces glycine 1036 with arginine.
Molecular consequence: missense variant.
Genome position (GRCh38, 1-based): chr19:53,794,129, C>T on the plus strand (G>A on the coding strand, the complement: NLRP12 is on the minus strand). VCF-style: chr19-53794129-C-T. GRCh37 (hg19) VCF-style: chr19-54297383-C-T.
Other names: c.3109G>A, p.Gly1037Arg (NM_001277126.2); c.2935G>A, p.Gly979Arg (NM_001277129.1); short protein forms G1037R, G1036R, G979R.
Identifiers: ClinVar variation 1348387 (VCV001348387.8), dbSNP rs2122482565, ClinGen allele CA407407303.

ClinVar aggregate classification (germline): Uncertain significance (1 of 4 stars; one submission).

Conditions:
Familial cold autoinflammatory syndrome 2 (FCAS2). Identifiers: Orphanet 247868, MedGen C2673198, MONDO:0012724, OMIM 611762.

Submission:

Labcorp Genetics (formerly Invitae), Labcorp
Classification: Uncertain significance for Familial cold autoinflammatory syndrome 2. Last evaluated: 2021-04-24. Review status: criteria provided, single submitter. Criteria: Invitae Variant Classification Sherloc (09022015). Collection method: clinical testing. Allele origin: germline.
Comment: In summary, the available evidence is currently insufficient to determine the role of this variant in disease. Therefore, it has been classified as a Variant of Uncertain Significance. Algorithms developed to predict the effect of sequence changes on RNA splicing suggest that this variant may create or strengthen a splice site, but this prediction has not been confirmed by published transcriptional studies. Algorithms developed to predict the effect of missense changes on protein structure and function are either unavailable or do not agree on the potential impact of this missense change (SIFT: "Deleterious"; PolyPhen-2: "Probably Damaging"; Align-GVGD: "Class C0"). This variant has not been reported in the literature in individuals with NLRP12-related conditions. This variant is not present in population databases (ExAC no frequency). This sequence change replaces glycine with arginine at codon 1036 of the NLRP12 protein (p.Gly1036Arg). The glycine residue is moderately conserved and there is a moderate physicochemical difference between glycine and arginine.